The following is an entry in ClinVar:

ClinVar aggregate classification (germline): Uncertain significance (1 of 4 stars; one submission).

Conditions:
Carnitine palmitoyltransferase II deficiency. Also called: Carnitine Palmitoyltransferase 2 Deficiency. Identifiers: Orphanet 157, MedGen C0342790, MONDO:0015515.

Submission:

Labcorp Genetics (formerly Invitae), Labcorp
Classification: Uncertain significance for Carnitine palmitoyltransferase II deficiency. Last evaluated: 2021-12-09. Review status: criteria provided, single submitter. Criteria: Invitae Variant Classification Sherloc (09022015). Collection method: clinical testing. Allele origin: germline.
Comment: This variant has not been reported in the literature in individuals affected with CPT2-related conditions. In summary, the available evidence is currently insufficient to determine the role of this variant in disease. Therefore, it has been classified as a Variant of Uncertain Significance. Advanced modeling of protein sequence and biophysical properties (such as structural, functional, and spatial information, amino acid conservation, physicochemical variation, residue mobility, and thermodynamic stability) performed at Invitae indicates that this missense variant is not expected to disrupt CPT2 protein function. This variant is not present in population databases (gnomAD no frequency). This sequence change replaces phenylalanine, which is neutral and non-polar, with leucine, which is neutral and non-polar, at codon 235 of the CPT2 protein (p.Phe235Leu).

NM_000098.3(CPT2):c.705C>G (p.Phe235Leu)

Gene: CPT2 (carnitine palmitoyltransferase 2; plus strand). Cytogenetic location: 1p32.3.
Variant type: single nucleotide variant.
Coding change: c.705C>G on transcript NM_000098.3 (MANE Select); coding-DNA position 705, C replaced by G.
Protein change: p.Phe235Leu; replaces phenylalanine 235 with leucine.
Molecular consequence: missense variant.
Genome position (GRCh38, 1-based): chr1:53,210,379, C>G. VCF-style: chr1-53210379-C-G. GRCh37 (hg19) VCF-style: chr1-53676051-C-G.
Other names: c.705C>G, p.Phe235Leu (NM_001330589.2); short protein forms F235L.
Identifiers: ClinVar variation 1514718 (VCV001514718.4), dbSNP rs1156707548, ClinGen allele CA340393377.
Genomic context (GRCh38, chr1:53,210,379, plus strand): 5'-CCAGTATTTTCGGCTTTTCAACTCAACTCGTTTACCCAAACCCAGTCGGGATGAACTCTT[C>G]ACTGATGACAAGGCCAGACACCTCCTGGTCCTAAGGAAAGGAAATTTTTATATCTTTGAT-3'
Protein context (NP_000089.1, residues 225-245): RLPKPSRDEL[Phe235Leu]TDDKARHLLV